The following is an entry in ClinVar:

NM_001130438.3(SPTAN1):c.5276C>T (p.Ala1759Val)

Gene: SPTAN1 (spectrin alpha, non-erythrocytic 1; plus strand). Cytogenetic location: 9q34.11.
Variant type: single nucleotide variant.
Coding change: c.5276C>T on transcript NM_001130438.3 (MANE Select); coding-DNA position 5276, C replaced by T.
Protein change: p.Ala1759Val; replaces alanine 1759 with valine.
Molecular consequence: missense variant.
Genome position (GRCh38, 1-based): chr9:128,615,759, C>T. VCF-style: chr9-128615759-C-T. GRCh37 (hg19) VCF-style: chr9-131378038-C-T.
Other names: c.5201C>T, p.Ala1734Val (NM_001195532.2); c.5276C>T, p.Ala1759Val (NM_001363759.2); c.5216C>T, p.Ala1739Val (NM_001363765.2); c.5261C>T, p.Ala1754Val (NM_003127.4); short protein forms A1759V, A1734V, A1754V, A1739V.
Identifiers: ClinVar variation 530520 (VCV000530520.9), dbSNP rs368402085, ClinGen allele CA5265415.

ClinVar aggregate classification (germline): Uncertain significance. Review status: criteria provided, multiple submitters, no conflicts (2 of 4 stars). 2 submissions from 2 submitters: Uncertain significance (2). Last evaluated 2026-03-26.

Conditions:
Early-infantile DEE. Also called: Early infantile epileptic encephalopathy with suppression bursts; Ohtahara syndrome; Early infantile epileptic encephalopathy. Identifiers: Orphanet 1934, MedGen C0393706, MONDO:0800491.

Allele frequency attached by ClinVar (database versions not stated): gnomAD exomes below 0.00001; gnomAD 0.00001; TOPMed 0.00002; ESP Exome Variant Server 0.00008; ExAC 0.00001.
gnomAD v4.1: 3 of 1,614,132 alleles (0.00019%); highest among the groups gnomAD compares: African/African-American, 0.0013%; no homozygotes.

Submissions (2):

Dasa
Classification: Uncertain significance. Last evaluated: 2026-03-26. Review status: criteria provided, single submitter. Criteria: DASA Assertion Criteria. Collection method: clinical testing. Allele origin: germline.
Comment: NM_001130438.3(SPTAN1):c.5276C>T (p.Ala1759Val) is a missense variant that results in the substitution of alanine with valine. This variant is rare in population databases. Computational prediction algorithms are consistent with a benign effect. The currently available literature and clinical evidence are not sufficient to establish a definitive association between this variant and the reported condition. Therefore, this variant is classified as a variant of uncertain significance.

Labcorp Genetics (formerly Invitae), Labcorp
Classification: Uncertain significance for Early-infantile DEE. Last evaluated: 2026-02-02. Review status: criteria provided, single submitter. Criteria: Invitae Variant Classification Sherloc (09022015). Collection method: clinical testing. Allele origin: germline.
Comment: This sequence change replaces alanine, which is neutral and non-polar, with valine, which is neutral and non-polar, at codon 1759 of the SPTAN1 protein (p.Ala1759Val). This variant is present in population databases (rs368402085, gnomAD 0.0009%). This variant has not been reported in the literature in individuals affected with SPTAN1-related conditions. ClinVar contains an entry for this variant (Variation ID: 530520). Invitae Evidence Modeling of protein sequence and biophysical properties (such as structural, functional, and spatial information, amino acid conservation, physicochemical variation, residue mobility, and thermodynamic stability) has been performed for this missense variant. However, the output from this modeling did not meet the statistical confidence thresholds required to predict the impact of this variant on SPTAN1 protein function. In summary, the available evidence is currently insufficient to determine the role of this variant in disease. Therefore, it has been classified as a Variant of Uncertain Significance.